The following is an entry in ClinVar:

ClinVar aggregate classification (germline): Uncertain significance. Review status: criteria provided, multiple submitters, no conflicts (2 of 4 stars). 2 submissions from 2 submitters: Uncertain significance (2). Last evaluated 2025-02-23.

Conditions:
Emery-Dreifuss muscular dystrophy 5, autosomal dominant (EDMD5). Also called: EMERY-DREIFUSS MUSCULAR DYSTROPHY 5. Identifiers: Orphanet 261, MedGen C2751805, MONDO:0013072, OMIM 612999.

gnomAD v4.1: 14 of 1,614,158 alleles (0.00087%); highest among the groups gnomAD compares: South Asian, 0.015%; 1 homozygote.

Submissions (2):

Labcorp Genetics (formerly Invitae), Labcorp
Classification: Uncertain significance for Emery-Dreifuss muscular dystrophy 5, autosomal dominant. Last evaluated: 2025-02-23. Review status: criteria provided, single submitter. Criteria: Invitae Variant Classification Sherloc (09022015). Collection method: clinical testing. Allele origin: germline.
Comment: This sequence change replaces leucine, which is neutral and non-polar, with arginine, which is basic and polar, at codon 5475 of the SYNE2 protein (p.Leu5475Arg). This variant is present in population databases (no rsID available, gnomAD 0.01%). This variant has not been reported in the literature in individuals affected with SYNE2-related conditions. ClinVar contains an entry for this variant (Variation ID: 3576653). An algorithm developed to predict the effect of missense changes on protein structure and function (PolyPhen-2) suggests that this variant is likely to be disruptive. In summary, the available evidence is currently insufficient to determine the role of this variant in disease. Therefore, it has been classified as a Variant of Uncertain Significance.

Fulgent Genetics
Classification: Uncertain significance for Emery-Dreifuss muscular dystrophy 5, autosomal dominant. Last evaluated: 2024-05-28. Review status: criteria provided, single submitter. Criteria: ACMG Guidelines, 2015. Collection method: clinical testing. Allele origin: germline.

NM_182914.3(SYNE2):c.16424T>G (p.Leu5475Arg)

Gene: SYNE2 (spectrin repeat containing nuclear envelope protein 2; plus strand). Cytogenetic location: 14q23.2.
Variant type: single nucleotide variant.
Coding change: c.16424T>G on transcript NM_182914.3 (MANE Select); coding-DNA position 16424, T replaced by G.
Protein change: p.Leu5475Arg; replaces leucine 5475 with arginine.
Molecular consequence: missense variant.
Genome position (GRCh38, 1-based): chr14:64,163,526, T>G. VCF-style: chr14-64163526-T-G. GRCh37 (hg19) VCF-style: chr14-64630244-T-G.
Other names: c.16424T>G, p.Leu5475Arg (NM_015180.6); short protein forms L5475R.
Identifiers: ClinVar variation 3576653 (VCV003576653.2).